The following is an entry in ClinVar:

NM_001042492.3(NF1):c.2800_2802delinsAA (p.Phe934fs)

Gene: NF1 (neurofibromin 1; plus strand). Cytogenetic location: 17q11.2.
Variant type: Indel.
Coding change: c.2800_2802delinsAA on transcript NM_001042492.3 (MANE Select); coding-DNA positions 2800 to 2802, TTT replaced by AA.
Protein change: p.Phe934fs; shifts the reading frame from phenylalanine 934.
Molecular consequence: frameshift variant.
Genome position (GRCh38, 1-based): chr17:31,229,415-31,229,417, TTT replaced by AA. VCF-style: chr17-31229415-TTT-AA. GRCh37 (hg19) VCF-style: chr17-29556433-TTT-AA.
Other names: c.2800_2802delTTTinsAA (NM_000267.3); c.2800_2802delTTTinsAA, p.Phe934Lysfs (NM_000267.4); short protein forms F934fs.
Identifiers: ClinVar variation 4017586 (VCV004017586.1).
Genomic context (GRCh38, chr17:31,229,415, plus strand): 5'-CGGACCAATGTTAAGGATCTGGTGGGTCTAGAATTGAGTCCTGCTCTGTATCCAATGCTA[TTT>AA]AACAAATTGAAGAATACCATCAGCAAGTTTTTTGACTCCCAAGGACAGGTAAAGTGTTCT-3'

ClinVar aggregate classification (germline): Pathogenic (1 of 4 stars; one submission).

Conditions:
Cardiovascular phenotype. Identifiers: MedGen CN230736.
Hereditary cancer-predisposing syndrome. Also called: Tumor predisposition; Hereditary neoplastic syndrome; Neoplastic Syndromes, Hereditary; Hereditary Cancer Syndrome. Identifiers: Orphanet 140162, MedGen C0027672, MeSH D009386, MONDO:0015356.

Submission:

Ambry Genetics
Classification: Pathogenic for Cardiovascular phenotype; Hereditary cancer-predisposing syndrome. Last evaluated: 2025-04-22. Review status: criteria provided, single submitter. Criteria: Ambry Variant Classification Scheme 2023. Collection method: clinical testing. Allele origin: germline.
Comment: The c.2800_2802delTTTinsAA pathogenic mutation, located in coding exon 21 of the NF1 gene, results from the deletion of 3 nucleotides and insertion of two nucleotides causing a translational frameshift with a predicted alternate stop codon (p.F934Kfs*4). This variant was reported in individual(s) with features consistent with neurofibromatosis type 1 (Ambry internal data). This variant is considered to be rare based on population cohorts in the Genome Aggregation Database (gnomAD). This alteration is expected to result in loss of function by premature protein truncation or nonsense-mediated mRNA decay. As such, this alteration is interpreted as a disease-causing mutation.